The following continues an entry in ClinVar:

NM_001114753.3(ENG):c.277C>T (p.Arg93Ter)

Gene: ENG. ClinVar aggregate classification (germline): Pathogenic. Pathogenic (11).

Submissions 10 to 13 of 13:

ARUP Laboratories, Molecular Genetics and Genomics, ARUP Laboratories
Classification: Pathogenic. Last evaluated: 2018-01-05. Review status: criteria provided, single submitter. Criteria: ARUP Molecular Germline Variant Investigation Process. Collection method: clinical testing. Allele origin: germline.
Comment: The ENG c.277C>T; p.Arg93Ter variant (rs886039506) has been reported in multiple unrelated families with hereditary hemorrhagic telangiectasia (Bossler 2006, Brusgaard 2004, Cymerman 2000, Gedge 2007, Lesca 2006, Letteboer 2005, Nishida 2012, Olivieri 2007, see HHT ENG database link). This variant is reported as pathogenic in ClinVar (Variation ID: 265371), and is absent from general population databases (Exome Variant Server, Genome Aggregation Database). This variant introduces an early termination codon and is predicted to result in a truncated protein or absent transcript. Based on the above information, this variant is considered pathogenic. REFERENCES Link to ClinVar database for p.Arg93Ter: Link to HHT ENG database: Bossler AD et al. Novel mutations in ENG and ACVRL1 identified in a series of 200 individuals undergoing clinical genetic testing for hereditary hemorrhagic telangiectasia (HHT): correlation of genotype with phenotype. Hum Mutat. 2006 Jul;27(7):667-75. Brusgaard K et al. Mutations in endoglin and in activin receptor-like kinase 1 among Danish patients with hereditary haemorrhagic telangiectasia. Clin Genet. 2004 Dec;66(6):556-61. Cymerman U et al. Identification of hereditary hemorrhagic telangiectasia type 1 in newborns by protein expression and mutation analysis of endoglin. Pediatr Res. 2000 Jan;47(1):24-35. Gedge F et al. Clinical and analytical sensitivities in hereditary hemorrhagic telangiectasia testing and a report of de novo mutations. J Mol Diagn. 2007 Apr;9(2):258-65. Lesca G et al. Distribution of ENG and ACVRL1 (ALK1) mutations in French HHT patients. Hum Mutat. 2006 Jun;27(6):598. Letteboer TG et al. Hereditary hemorrhagic telangiectasia: ENG and ALK-1 mutations in Dutch patients. Hum Genet. 2005 Jan;116(1-2):8-16. Nishida T et al. Brain arteriovenous malformations associated with hereditary hemorrhagic telangiectasia: gene-phenotype correlations. Am J Med Genet A. 2012 Nov;158A(11):2829-34. Olivieri C et al. Analysis of ENG and ACVRL1 genes in 137 HHT Italian families identifies 76 different mutations (24 novel). Comparison with other European studies. J Hum Genet. 2007;52(10):820-9.

NIHR Bioresource Rare Diseases, University of Cambridge
Classification: Pathogenic for Telangiectasia, hereditary hemorrhagic, type 1. Last evaluated: 2018-01-01. Review status: criteria provided, single submitter. Criteria: ACMG Guidelines, 2015. Collection method: research. Allele origin: unknown. Affected: yes. Observed: 6 variant alleles.
Comment: PVS1+PM2+PP4

deCODE genetics, Amgen
Classification: Likely pathogenic for Telangiectasia, hereditary hemorrhagic, type 1. Last evaluated: 2023-07-21. Review status: no assertion criteria provided. Collection method: research. Allele origin: germline. Affected: yes. Observed: 1 variant allele. Not counted in ClinVar's aggregate classification.
Comment: The variant NM_001114753.3:c.277C>T (chr9:127829770) in ENG was detected in 1 heterozygote out of 58K WGS Icelanders (MAF= 0,001%). This variant has been reported in ClinVar previously as pathogenic. Based on ACMG criteria (PVS1, PM2) this variant classifies as likely pathogenic.

NIHR Bioresource Rare Diseases, University of Cambridge
Classification: Pathogenic for Pulmonary arterial hypertension. Review status: no assertion criteria provided. Collection method: research. Allele origin: unknown. Affected: yes. Observed: 1 variant allele. Not counted in ClinVar's aggregate classification.

Literature cited by the submitters: PubMed 15879500 (cited by Labcorp Genetics (formerly Invitae), Labcorp); PubMed 10625079 (cited by 3 submitters); PubMed 15517393 (cited by Labcorp Genetics (formerly Invitae), Labcorp and Mayo Clinic Laboratories, Mayo Clinic); PubMed 15521985 (cited by Labcorp Genetics (formerly Invitae), Labcorp and Mayo Clinic Laboratories, Mayo Clinic); PubMed 16705692 (cited by Labcorp Genetics (formerly Invitae), Labcorp and Mayo Clinic Laboratories, Mayo Clinic); PubMed 19270816 (cited by 3 submitters); PubMed 21158752 (cited by Labcorp Genetics (formerly Invitae), Labcorp); PubMed 22991266 (cited by Labcorp Genetics (formerly Invitae), Labcorp and Mayo Clinic Laboratories, Mayo Clinic); PubMed 23722869 (cited by 3 submitters); PubMed 17384219 (cited by Mayo Clinic Laboratories, Mayo Clinic); PubMed 17786384 (cited by Mayo Clinic Laboratories, Mayo Clinic); PubMed 29650961 (cited by Mayo Clinic Laboratories, Mayo Clinic and Ambry Genetics); PubMed 31727138 (cited by Mayo Clinic Laboratories, Mayo Clinic); PubMed 32503579 (cited by Mayo Clinic Laboratories, Mayo Clinic); PubMed 32514857 (cited by Mayo Clinic Laboratories, Mayo Clinic); PubMed 32573726 (cited by Mayo Clinic Laboratories, Mayo Clinic and NIHR Bioresource Rare Diseases, University of Cambridge); PubMed 32933640 (cited by Mayo Clinic Laboratories, Mayo Clinic); PubMed 34872578 (cited by Mayo Clinic Laboratories, Mayo Clinic); PubMed 33919892 (cited by Victorian Clinical Genetics Services, Murdoch Childrens Research Institute); PubMed 25970827 (cited by Ambry Genetics); PubMed 32581362 (cited by NIHR Bioresource Rare Diseases, University of Cambridge).